The following is an entry in ClinVar:

NM_177972.3(TUB):c.776C>T (p.Ala259Val)

Genes: RIC3 (RIC3 acetylcholine receptor chaperone; minus strand), TUB (TUB bipartite transcription factor; plus strand). Cytogenetic location: 11p15.4.
Variant type: single nucleotide variant.
Coding change: c.776C>T on transcript NM_177972.3 (MANE Select); coding-DNA position 776, C replaced by T.
Protein change: p.Ala259Val; replaces alanine 259 with valine.
Molecular consequence: missense variant.
Genome position (GRCh38, 1-based): chr11:8,097,316, C>T. VCF-style: chr11-8097316-C-T. GRCh37 (hg19) VCF-style: chr11-8118863-C-T.
Other names: c.941C>T, p.Ala314Val (NM_003320.5); short protein forms A314V, A259V.
Identifiers: ClinVar variation 859780 (VCV000859780.11), dbSNP rs1370373387, ClinGen allele CA379568831.

ClinVar aggregate classification (germline): Uncertain significance. Review status: criteria provided, multiple submitters, no conflicts (2 of 4 stars). 3 submissions from 3 submitters: Uncertain significance (3). Last evaluated 2024-08-19.

Allele frequency attached by ClinVar (database versions not stated): gnomAD 0.00001; gnomAD exomes 0.00001 and 0.00002; TOPMed 0.00002.
gnomAD v4.1: 15 of 1,614,006 alleles (0.00093%); highest among the groups gnomAD compares: East Asian, 0.016%; no homozygotes.

Submissions (3):

Ambry Genetics
Classification: Uncertain significance. Last evaluated: 2024-08-19. Review status: criteria provided, single submitter. Criteria: Ambry Variant Classification Scheme 2023. Collection method: clinical testing. Allele origin: germline.

Blueprint Genetics
Classification: Uncertain significance. Last evaluated: 2023-12-26. Review status: criteria provided, single submitter. Criteria: ACMG Guidelines, 2015. Collection method: clinical testing. Allele origin: germline.

Labcorp Genetics (formerly Invitae), Labcorp
Classification: Uncertain significance. Last evaluated: 2021-02-13. Review status: criteria provided, single submitter. Criteria: Invitae Variant Classification Sherloc (09022015). Collection method: clinical testing. Allele origin: germline.
Comment: In summary, the available evidence is currently insufficient to determine the role of this variant in disease. Therefore, it has been classified as a Variant of Uncertain Significance. This sequence change replaces alanine with valine at codon 314 of the TUB protein (p.Ala314Val). The alanine residue is highly conserved and there is a small physicochemical difference between alanine and valine. This variant is not present in population databases (ExAC no frequency). This variant has not been reported in the literature in individuals with TUB-related conditions. Algorithms developed to predict the effect of missense changes on protein structure and function (SIFT, PolyPhen-2, Align-GVGD) all suggest that this variant is likely to be disruptive, but these predictions have not been confirmed by published functional studies and their clinical significance is uncertain.